The following is an entry in ClinVar:

ClinVar aggregate classification (germline): Benign/Likely benign. Review status: criteria provided, multiple submitters, no conflicts (2 of 4 stars). 18 submissions from 16 submitters: Benign (14); Likely benign (2). 2 of the submissions do not count toward it. Last evaluated 2026-06-01.

Conditions:
Juvenile polyposis syndrome (JPS). Identifiers: Orphanet 2929, MedGen C0345893, MONDO:0017380, OMIM 174900.
Hereditary cancer-predisposing syndrome. Also called: Tumor predisposition; Hereditary neoplastic syndrome; Hereditary Cancer Syndrome; Neoplastic Syndromes, Hereditary. Identifiers: Orphanet 140162, MedGen C0027672, MeSH D009386, MONDO:0015356.
Myhre syndrome (MYHRS). Also called: LARYNGOTRACHEAL STENOSIS, ARTHROPATHY, PROGNATHISM, AND SHORT STATURE; LAPS SYNDROME. Identifiers: Orphanet 2588, MedGen C0796081, MONDO:0007688, OMIM 139210.
Juvenile polyposis/hereditary hemorrhagic telangiectasia syndrome (JPHT). Also called: Juvenile Polyposis Syndrome / Hereditary Hemorrhagic Telangiectasia (JPS/HHT); POLYPOSIS, GENERALIZED JUVENILE, WITH PULMONARY ARTERIOVENOUS MALFORMATION; TELANGIECTASIA, HEREDITARY HEMORRHAGIC, WITH JUVENILE POLYPOSIS COLI; JP/HHT SYNDROME; JUVENILE POLYPOSIS WITH HEREDITARY HEMORRHAGIC TELANGIECTASIA. Identifiers: Orphanet 2929, MedGen C1832942, MONDO:0008278, OMIM 175050.
Generalized juvenile polyposis/juvenile polyposis coli. Also called: Juvenile polyposis coli. Identifiers: Orphanet 329971, MedGen C1868081, MONDO:0008276.

Allele frequency attached by ClinVar (database versions not stated): gnomAD exomes 0.00025 and 0.00072; ExAC 0.00099; gnomAD 0.00252 and 0.00269; TOPMed 0.00289; ESP Exome Variant Server 0.00292; 1000 Genomes Project 0.00319; 1000 Genomes Project 30x 0.00422.
gnomAD v4.1: 741 of 1,596,870 alleles (0.046%); highest among the groups gnomAD compares: African/African-American, 0.9%; 3 homozygotes.

Submissions (18):

CeGaT Center for Human Genetics Tuebingen
Classification: Likely benign. Last evaluated: 2026-06-01. Review status: criteria provided, single submitter. Criteria: CeGaT Center For Human Genetics Tuebingen Variant Classification Criteria Version 2. Collection method: clinical testing. Allele origin: germline. Affected: yes. Observed: 1 variant allele.
Comment: SMAD4: BP4, BS1

Labcorp Genetics (formerly Invitae), Labcorp
Classification: Benign for Juvenile polyposis syndrome. Last evaluated: 2026-02-03. Review status: criteria provided, single submitter. Criteria: Invitae Variant Classification Sherloc (09022015). Collection method: clinical testing. Allele origin: germline.

Molecular Diagnostic Laboratory for Inherited Cardiovascular Disease, Montreal Heart Institute
Classification: Benign. Last evaluated: 2025-04-09. Review status: criteria provided, single submitter. Criteria: ACMG Guidelines, 2015. Collection method: clinical testing. Allele origin: germline. Affected: no.

Myriad Genetics, Inc.
Classification: Benign for Juvenile polyposis/hereditary hemorrhagic telangiectasia syndrome. Last evaluated: 2025-03-19. Review status: criteria provided, single submitter. Criteria: Myriad Autosomal Dominant, Autosomal Recessive and X-Linked Classification Criteria (2023). Collection method: clinical testing. Allele origin: unknown.
Comment: This variant is considered benign. This variant is intronic and is not expected to impact mRNA splicing. Homozygosity has been confirmed in one or more individuals. As homozygosity for pathogenic variants in this gene is generally assumed to result in embryonic lethality, this variant is unlikely to be pathogenic.

Blueprint Genetics
Classification: Likely benign. Last evaluated: 2024-11-13. Review status: criteria provided, single submitter. Criteria: ACMG Guidelines, 2015. Collection method: clinical testing. Allele origin: germline.

ARUP Laboratories, Molecular Genetics and Genomics, ARUP Laboratories
Classification: Benign. Last evaluated: 2023-12-08. Review status: criteria provided, single submitter. Criteria: ARUP Molecular Germline Variant Investigation Process 2024. Collection method: clinical testing. Allele origin: germline.

Quest Diagnostics Nichols Institute San Juan Capistrano
Classification: Benign. Last evaluated: 2023-06-29. Review status: criteria provided, single submitter. Criteria: Quest Diagnostics criteria. Collection method: clinical testing. Allele origin: unknown.

Genetic Services Laboratory, University of Chicago
Classification: Benign. Last evaluated: 2021-03-29. Review status: criteria provided, single submitter. Criteria: ACMG Guidelines, 2015. Collection method: clinical testing. Allele origin: germline. Affected: no.

Sema4
Classification: Benign for Hereditary cancer-predisposing syndrome. Last evaluated: 2020-09-10. Review status: criteria provided, single submitter. Criteria: Sema4 Curation Guidelines. Collection method: curation. Allele origin: germline.

Illumina Laboratory Services, Illumina
Classification: Benign for Myhre syndrome. Last evaluated: 2018-01-12. Review status: criteria provided, single submitter. Criteria: ICSL Variant Classification Criteria 13 December 2019. Collection method: clinical testing. Allele origin: germline.
Comment: This variant was observed in the ICSL laboratory as part of a predisposition screen in an ostensibly healthy population. It had not been previously curated by ICSL or reported in the Human Gene Mutation Database (HGMD: prior to June 1st, 2018), and was therefore a candidate for classification through an automated scoring system. Utilizing variant allele frequency, disease prevalence and penetrance estimates, and inheritance mode, an automated score was calculated to assess if this variant is too frequent to cause the disease. Based on the score and internal cut-off values, a variant classified as benign is not then subjected to further curation. The score for this variant resulted in a classification of benign for this disease.

Illumina Laboratory Services, Illumina
Classification: Benign for Juvenile polyposis syndrome. Last evaluated: 2018-01-12. Review status: criteria provided, single submitter. Criteria: ICSL Variant Classification Criteria 13 December 2019. Collection method: clinical testing. Allele origin: germline.
Comment: the same text as in the submission from Illumina Laboratory Services, Illumina above.

Illumina Laboratory Services, Illumina
Classification: Benign for Juvenile polyposis/hereditary hemorrhagic telangiectasia syndrome. Last evaluated: 2018-01-12. Review status: criteria provided, single submitter. Criteria: ICSL Variant Classification Criteria 13 December 2019. Collection method: clinical testing. Allele origin: germline.
Comment: the same text as in the submission from Illumina Laboratory Services, Illumina above.

PreventionGenetics, part of Exact Sciences
Classification: Benign. Last evaluated: 2017-12-20. Review status: criteria provided, single submitter. Criteria: ACMG Guidelines, 2015. Collection method: clinical testing. Allele origin: germline.

Color Diagnostics, LLC DBA Color Health
Classification: Benign for Hereditary cancer-predisposing syndrome. Last evaluated: 2016-03-09. Review status: criteria provided, single submitter. Criteria: ACMG Guidelines, 2015. Collection method: clinical testing. Allele origin: germline.

Eurofins Ntd Llc (ga)
Classification: Benign. Last evaluated: 2014-04-03. Review status: criteria provided, single submitter. Criteria: EGL Classification Definitions 2015. Collection method: clinical testing. Allele origin: germline. Observed: 1 variant allele, 1 heterozygote.

GeneDx
Classification: Benign. Last evaluated: 2014-02-14. Review status: criteria provided, single submitter. Criteria: GeneDx Variant Classification (06012015). Collection method: clinical testing. Allele origin: germline. Affected: yes.
Comment: This variant is considered likely benign or benign based on one or more of the following criteria: it is a conservative change, it occurs at a poorly conserved position in the protein, it is predicted to be benign by multiple in silico algorithms, and/or has population frequency not consistent with disease.

Department of Pathology and Laboratory Medicine, Sinai Health System
Classification: Likely benign for Generalized juvenile polyposis/juvenile polyposis coli. Review status: no assertion criteria provided. Collection method: clinical testing. Allele origin: unknown. Affected: yes. Observed: 1 variant allele. Study: The Canadian Open Genetics Repository (COGR). Not counted in ClinVar's aggregate classification.
Comment: The SMAD4 c.455-6A>G variant was identified in 1 of 2520 proband chromosomes (frequency: 0.00039) from individuals or families with Lynch syndrome (Yurgelun 2015). The variant was also identified in dbSNP (ID: rs181178864) as "With other allele", ClinVar (classified as benign by GeneDx, Invitae, Color Genomics and two other submitters; as likely benign by two submitters), and in LOVD 3.0 (1x). The variant was not identified in Cosmic, or the ARUP database. The variant was identified in control databases in 251 of 276002 chromosomes (1 homozygous) at a frequency of 0.0009 increasing the likelihood this could be a low frequency benign variant (Genome Aggregation Database Feb 27, 2017). The variant was observed in the following populations: African in 230 of 24002 chromosomes (freq: 0.01), Other in 3 of 6404 chromosomes (freq: 0.0005), Latino in 16 of 34254 chromosomes (freq: 0.0005), European in 2 of 125986 chromosomes (freq: 0.00002); it was not observed in the Ashkenazi Jewish, East Asian, Finnish, and South Asian populations. The c.455-6A>G variant is located in the 3' splice region but does not affect the invariant -1 and -2 positions. However, positions -3 and -5 to -12 are part of the splicing consensus sequence and variants involving these positions sometimes affect splicing. However, in silico or computational prediction software programs (SpliceSiteFinder, MaxEntScan, NNSPLICE, GeneSplicer, HumanSpliceFinder) do not predict a difference in splicing. In summary, based on the above information the clinical significance of this variant cannot be determined with certainty at this time although we would lean towards a more benign role for this variant. This variant is classified as likely benign.

Mayo Clinic Laboratories, Mayo Clinic
Classification: Benign. Review status: no assertion criteria provided. Collection method: clinical testing. Allele origin: unknown. Not counted in ClinVar's aggregate classification.

Literature cited by the submitters: PubMed 25980754 (cited by Quest Diagnostics Nichols Institute San Juan Capistrano).

NM_005359.6(SMAD4):c.455-6A>G

Gene: SMAD4 (SMAD family member 4; plus strand). Cytogenetic location: 18q21.2.
Variant type: single nucleotide variant.
Coding change: c.455-6A>G on transcript NM_005359.6 (MANE Select); 6 bases into the intron before coding-DNA position 455, A replaced by G.
Molecular consequence: intron variant.
Genome position (GRCh38, 1-based): chr18:51,054,775, A>G. VCF-style: chr18-51054775-A-G. GRCh37 (hg19) VCF-style: chr18-48581145-A-G.
Identifiers: ClinVar variation 139218 (VCV000139218.39), dbSNP rs181178864, ClinGen allele CA180442.